The following is an entry in ClinVar:

NM_032242.4(PLXNA1):c.104G>A (p.Gly35Glu)

Gene: PLXNA1 (plexin A1; plus strand). Cytogenetic location: 3q21.3.
Variant type: single nucleotide variant.
Coding change: c.104G>A on transcript NM_032242.4 (MANE Select); coding-DNA position 104, G replaced by A.
Protein change: p.Gly35Glu; replaces glycine 35 with glutamic acid.
Molecular consequence: missense variant.
Genome position (GRCh38, 1-based): chr3:126,988,697, G>A. VCF-style: chr3-126988697-G-A. GRCh37 (hg19) VCF-style: chr3-126707540-G-A.
Other names: short protein forms G35E.
Identifiers: ClinVar variation 3348420 (VCV003348420.1).

ClinVar aggregate classification (germline): Uncertain significance (0 of 4 stars; one submission).

Conditions:
PLXNA1-related disorder. Also called: PLXNA1-related condition.

Submission:

PreventionGenetics, part of Exact Sciences
Classification: Uncertain significance for PLXNA1-related condition. Last evaluated: 2023-12-26. Review status: no assertion criteria provided. Collection method: clinical testing. Allele origin: germline.
Comment: The PLXNA1 c.104G>A variant is predicted to result in the amino acid substitution p.Gly35Glu. To our knowledge, this variant has not been reported in the literature or in a large population database, indicating this variant is rare. At this time, the clinical significance of this variant is uncertain due to the absence of conclusive functional and genetic evidence.